The following is an entry in ClinVar:

NM_001127671.2(LIFR):c.1780G>A (p.Ala594Thr)

Gene: LIFR (LIF receptor subunit alpha; minus strand). Cytogenetic location: 5p13.1.
Variant type: single nucleotide variant.
Coding change: c.1780G>A on transcript NM_001127671.2 (MANE Select); coding-DNA position 1780, G replaced by A.
Protein change: p.Ala594Thr; replaces alanine 594 with threonine.
Molecular consequence: missense variant.
Genome position (GRCh38, 1-based): chr5:38,496,487, C>T on the plus strand (G>A on the coding strand, the complement: LIFR is on the minus strand). VCF-style: chr5-38496487-C-T. GRCh37 (hg19) VCF-style: chr5-38496589-C-T.
Other names: c.1780G>A, p.Ala594Thr (NM_001364297.2, NM_001364298.2, NM_002310.6); short protein forms A594T.
Identifiers: ClinVar variation 1441561 (VCV001441561.5), dbSNP rs752038840, ClinGen allele CA3242839.
Genomic context (GRCh38, chr5:38,496,487, plus strand): 5'-CCACAGAATTTTTAGCCACTACGCTGATGATGTAGTCATTCTTATCAAGTCGTATCTCTG[C>T]TTTGTGCTGAGGATCAGGGATTTCAGAAAGGGACTGTGTTTCCTCATCTGATGAACACGA-3'
Protein context (NP_001121143.1, residues 584-604): LSEIPDPQHK[Ala594Thr]EIRLDKNDYI

ClinVar aggregate classification (germline): Uncertain significance (1 of 4 stars; one submission).

Allele frequency attached by ClinVar (database versions not stated): gnomAD exomes below 0.00001; ExAC 0.00001.
gnomAD v4.1: 4 of 1,614,012 alleles (0.00025%); highest among the groups gnomAD compares: Admixed American, 0.0017%; no homozygotes.

Submission:

Labcorp Genetics (formerly Invitae), Labcorp
Classification: Uncertain significance. Last evaluated: 2021-08-26. Review status: criteria provided, single submitter. Criteria: Invitae Variant Classification Sherloc (09022015). Collection method: clinical testing. Allele origin: germline.
Comment: This sequence change replaces alanine with threonine at codon 594 of the LIFR protein (p.Ala594Thr). The alanine residue is moderately conserved and there is a small physicochemical difference between alanine and threonine. This variant is present in population databases (rs752038840, ExAC 0.001%). This variant has not been reported in the literature in individuals affected with LIFR-related conditions. Algorithms developed to predict the effect of missense changes on protein structure and function (SIFT, PolyPhen-2, Align-GVGD) all suggest that this variant is likely to be tolerated. In summary, the available evidence is currently insufficient to determine the role of this variant in disease. Therefore, it has been classified as a Variant of Uncertain Significance.